The following is an entry in ClinVar:

ClinVar aggregate classification (germline): Uncertain significance (1 of 4 stars; one submission).

Conditions:
RASopathy. Also called: rasopathies; Noonan spectrum disorder. Identifiers: Orphanet 536391, MedGen C5555857, MONDO:0021060.

Submission:

Labcorp Genetics (formerly Invitae), Labcorp
Classification: Uncertain significance for RASopathy. Last evaluated: 2025-10-01. Review status: criteria provided, single submitter. Criteria: Invitae Variant Classification Sherloc (09022015). Collection method: clinical testing. Allele origin: germline.
Comment: This sequence change replaces glycine, which is neutral and non-polar, with aspartic acid, which is acidic and polar, at codon 349 of the SHOC2 protein (p.Gly349Asp). This variant is not present in population databases (gnomAD no frequency). This variant has not been reported in the literature in individuals affected with SHOC2-related conditions. ClinVar contains an entry for this variant (Variation ID: 933363). Invitae Evidence Modeling of protein sequence and biophysical properties (such as structural, functional, and spatial information, amino acid conservation, physicochemical variation, residue mobility, and thermodynamic stability) indicates that this missense variant is not expected to disrupt SHOC2 protein function with a negative predictive value of 80%. In summary, the available evidence is currently insufficient to determine the role of this variant in disease. Therefore, it has been classified as a Variant of Uncertain Significance.

NM_007373.4(SHOC2):c.1046G>A (p.Gly349Asp)

Gene: SHOC2 (SHOC2 leucine rich repeat scaffold protein; plus strand). Cytogenetic location: 10q25.2.
Variant type: single nucleotide variant.
Coding change: c.1046G>A on transcript NM_007373.4 (MANE Select); coding-DNA position 1046, G replaced by A.
Protein change: p.Gly349Asp; replaces glycine 349 with aspartic acid.
Molecular consequence: missense variant. On other transcripts: non-coding transcript variant (1).
Genome position (GRCh38, 1-based): chr10:111,004,679, G>A. VCF-style: chr10-111004679-G-A. GRCh37 (hg19) VCF-style: chr10-112764437-G-A.
Other names: c.908G>A, p.Gly303Asp (NM_001269039.3); c.1046G>A, p.Gly349Asp (NM_001324336.2, NM_001324337.2); short protein forms G349D, G303D.
Identifiers: ClinVar variation 933363 (VCV000933363.9), dbSNP rs1848437298, ClinGen allele CA378523014.